The following is an entry in ClinVar:

ClinVar aggregate classification (germline): Uncertain significance (1 of 4 stars; one submission).

Conditions:
Immunodeficiency, common variable, 4. Also called: ANTIBODY DEFICIENCY DUE TO BAFFR DEFECT. Identifiers: Orphanet 1572, Orphanet 696925, MedGen C3150739, MONDO:0013284, OMIM 613494.

Submission:

Labcorp Genetics (formerly Invitae), Labcorp
Classification: Uncertain significance for Immunodeficiency, common variable, 4. Last evaluated: 2024-12-16. Review status: criteria provided, single submitter. Criteria: Invitae Variant Classification Sherloc (09022015). Collection method: clinical testing. Allele origin: germline.
Comment: This sequence change replaces leucine, which is neutral and non-polar, with glutamine, which is neutral and polar, at codon 57 of the TNFRSF13C protein (p.Leu57Gln). This variant is not present in population databases (gnomAD no frequency). This variant has not been reported in the literature in individuals affected with TNFRSF13C-related conditions. An algorithm developed to predict the effect of missense changes on protein structure and function (PolyPhen-2) suggests that this variant is likely to be disruptive. In summary, the available evidence is currently insufficient to determine the role of this variant in disease. Therefore, it has been classified as a Variant of Uncertain Significance.

NM_052945.4(TNFRSF13C):c.170T>A (p.Leu57Gln)

Genes: TNFRSF13C (TNF receptor superfamily member 13C; minus strand), LOC130067574 (ATAC-STARR-seq lymphoblastoid silent region 13813; plus strand). Cytogenetic location: 22q13.2.
Variant type: single nucleotide variant.
Coding change: c.170T>A on transcript NM_052945.4 (MANE Select); coding-DNA position 170, T replaced by A.
Protein change: p.Leu57Gln; replaces leucine 57 with glutamine.
Molecular consequence: missense variant.
Genome position (GRCh38, 1-based): chr22:41,926,298, A>T on the plus strand (T>A on the coding strand, the complement: TNFRSF13C is on the minus strand). VCF-style: chr22-41926298-A-T. GRCh37 (hg19) VCF-style: chr22-42322302-A-T.
Other names: short protein forms L57Q.
Identifiers: ClinVar variation 3695371 (VCV003695371.2).